The following is an entry in ClinVar:

NM_201269.3(ZNF644):c.904C>T (p.Arg302Cys)

Gene: ZNF644 (zinc finger protein 644; minus strand). Cytogenetic location: 1p22.2.
Variant type: single nucleotide variant.
Coding change: c.904C>T on transcript NM_201269.3 (MANE Select); coding-DNA position 904, C replaced by T.
Protein change: p.Arg302Cys; replaces arginine 302 with cysteine.
Molecular consequence: missense variant. On other transcripts: intron variant (2).
Genome position (GRCh38, 1-based): chr1:90,940,450, G>A on the plus strand (C>T on the coding strand, the complement: ZNF644 is on the minus strand). VCF-style: chr1-90940450-G-A. GRCh37 (hg19) VCF-style: chr1-91406007-G-A.
Other names: c.23-22296C>T (NM_032186.5, NM_016620.4); short protein forms R302C.
Identifiers: ClinVar variation 432490 (VCV000432490.2), dbSNP rs150603093, ClinGen allele CA26621727.
Genomic context (GRCh38, chr1:90,940,450, plus strand): 5'-CTTGCATTTTTGATTTATTGGGTACACAATTAGAATCACTAAAGCAATCCTCGGTATAAC[G>A]AGTTATCTTGCTTACATCCATTTTTCGCTTTCTTTTTTTTTCTAGACCTATTTTAGAATG-3'
Protein context (NP_958357.1, residues 292-312): KRKMDVSKIT[Arg302Cys]YTEDCFSDSN

ClinVar aggregate classification (germline): Uncertain significance (1 of 4 stars; one submission).

Allele frequency attached by ClinVar (database versions not stated): gnomAD 0.00001; gnomAD exomes 0.00002; TOPMed 0.00004; ESP Exome Variant Server 0.00015.
gnomAD v4.1: 75 of 1,613,290 alleles (0.0046%); highest among the groups gnomAD compares: Non-Finnish European, 0.006%; no homozygotes.

Submission:

GeneDx
Classification: Uncertain significance. Last evaluated: 2017-06-08. Review status: criteria provided, single submitter. Criteria: GeneDx Variant Classification (06012015). Collection method: clinical testing. Allele origin: germline. Affected: yes.
Comment: The R302C variant in the ZNF644 gene has not been reported previously as a pathogenic variant, nor as a benign variant, to our knowledge. The R302C variant is not observed in large population cohorts (Lek et al., 2016; 1000 Genomes Consortium et al., 2015; Exome Variant Server). The R302C variant is a non-conservative amino acid substitution, which is likely to impact secondary protein structure as these residues differ in polarity, charge, size and/or other properties. This substitution occurs at a position that is conserved in mammals. In silico analysis is inconsistent in its predictions as to whether or not the variant is damaging to the protein structure/function. We interpret R302C as a variant of uncertain significance.